The following is an entry in ClinVar:

NM_004629.2(FANCG):c.1760+4A>T

Gene: FANCG (FA complementation group G; minus strand). Cytogenetic location: 9p13.3.
Variant type: single nucleotide variant.
Coding change: c.1760+4A>T on transcript NM_004629.2 (MANE Select); 4 bases into the intron after coding-DNA position 1760, A replaced by T.
Molecular consequence: intron variant.
Genome position (GRCh38, 1-based): chr9:35,074,367, T>A on the plus strand (A>T on the coding strand, the complement: FANCG is on the minus strand). VCF-style: chr9-35074367-T-A. GRCh37 (hg19) VCF-style: chr9-35074364-T-A.
Identifiers: ClinVar variation 2063265 (VCV002063265.4), dbSNP rs2490393334, ClinGen allele CA2580080390.
Genomic context (GRCh38, chr9:35,074,367, plus strand): 5'-TAGGTCCAAGGACTCTAGGACACCAACTGCCCCTCAGCCCCAAGCCAGCAGGCCTGAGCC[T>A]CACCACAGAGCATCTTCATGTGACCCCTTAGTTTGGGCCTCCAGCCTCCACCAGAGTGCA-3'

ClinVar aggregate classification (germline): Uncertain significance (1 of 4 stars; one submission).

Conditions:
Fanconi anemia (FA). Also called: Fanconi's anemia. Identifiers: Orphanet 84, MedGen C0015625, MeSH D005199, MONDO:0019391.

Submission:

Labcorp Genetics (formerly Invitae), Labcorp
Classification: Uncertain significance for Fanconi anemia. Last evaluated: 2022-08-05. Review status: criteria provided, single submitter. Criteria: Invitae Variant Classification Sherloc (09022015). Collection method: clinical testing. Allele origin: germline.
Comment: In summary, the available evidence is currently insufficient to determine the role of this variant in disease. Therefore, it has been classified as a Variant of Uncertain Significance. Variants that disrupt the consensus splice site are a relatively common cause of aberrant splicing (PMID: 17576681, 9536098). Algorithms developed to predict the effect of sequence changes on RNA splicing suggest that this variant may disrupt the consensus splice site. This variant has been observed in individual(s) with clinical features of Fanconi anemia (Invitae). This variant is not present in population databases (gnomAD no frequency). This sequence change falls in intron 13 of the FANCG gene. It does not directly change the encoded amino acid sequence of the FANCG protein. It affects a nucleotide within the consensus splice site.

Literature cited by the submitters: PubMed 17576681; PubMed 9536098.